The following is an entry in ClinVar:

ClinVar aggregate classification (germline): Uncertain significance (1 of 4 stars; one submission).

Conditions:
Glycogen storage disease due to muscle and heart glycogen synthase deficiency. Also called: GSD 0b; MUSCLE GLYCOGEN SYNTHASE DEFICIENCY. Identifiers: Orphanet 137625, MedGen C1969054, MONDO:0012693, OMIM 611556.

Allele frequency attached by ClinVar (database versions not stated): gnomAD exomes below 0.00001; TOPMed 0.00001; ExAC 0.00003.

Submission:

Labcorp Genetics (formerly Invitae), Labcorp
Classification: Uncertain significance for Glycogen storage disease due to muscle and heart glycogen synthase deficiency. Last evaluated: 2022-07-19. Review status: criteria provided, single submitter. Criteria: Invitae Variant Classification Sherloc (09022015). Collection method: clinical testing. Allele origin: germline.
Comment: This sequence change replaces threonine, which is neutral and polar, with methionine, which is neutral and non-polar, at codon 713 of the GYS1 protein (p.Thr713Met). The frequency data for this variant in the population databases is considered unreliable, as metrics indicate poor data quality at this position in the gnomAD database. This variant has not been reported in the literature in individuals affected with GYS1-related conditions. ClinVar contains an entry for this variant (Variation ID: 1352408). Algorithms developed to predict the effect of missense changes on protein structure and function are either unavailable or do not agree on the potential impact of this missense change (SIFT: "Deleterious"; PolyPhen-2: "Benign"; Align-GVGD: "Class C0"). In summary, the available evidence is currently insufficient to determine the role of this variant in disease. Therefore, it has been classified as a Variant of Uncertain Significance.

NM_002103.5(GYS1):c.2138C>T (p.Thr713Met)

Gene: GYS1 (glycogen synthase 1; minus strand). Cytogenetic location: 19q13.33.
Variant type: single nucleotide variant.
Coding change: c.2138C>T on transcript NM_002103.5 (MANE Select); coding-DNA position 2138, C replaced by T.
Protein change: p.Thr713Met; replaces threonine 713 with methionine.
Molecular consequence: missense variant. On other transcripts: non-coding transcript variant (1).
Genome position (GRCh38, 1-based): chr19:48,969,364, G>A on the plus strand (C>T on the coding strand, the complement: GYS1 is on the minus strand). VCF-style: chr19-48969364-G-A. GRCh37 (hg19) VCF-style: chr19-49472621-G-A.
Other names: c.1946C>T, p.Thr649Met (NM_001161587.2); short protein forms T649M, T713M.
Identifiers: ClinVar variation 1352408 (VCV001352408.5), dbSNP rs771678316, ClinGen allele CA9562699.
Genomic context (GRCh38, chr19:48,969,364, plus strand): 5'-CCCAGGGAGCTGGTGGGGCTGAGGGGCTCGCTCGGGGTGCTGAGTGAGCTGGAGGTGGCC[G>A]TGTCCACAGAGTTGCGCTTGCTGCCGCTGGTGGAGGAGGTGCAGGACGCTCGGCGCGGCC-3'
Protein context (NP_002094.2, residues 703-723): TSGSKRNSVD[Thr713Met]ATSSSLSTPS